The following is an entry in ClinVar:

ClinVar aggregate classification (germline): Pathogenic/Likely pathogenic. Review status: criteria provided, multiple submitters, no conflicts (2 of 4 stars). 5 submissions from 5 submitters: Pathogenic (1); Likely pathogenic (4). Last evaluated 2025-02-25.

Conditions:
Hereditary cancer-predisposing syndrome. Also called: Tumor predisposition; Hereditary Cancer Syndrome; Neoplastic Syndromes, Hereditary; Hereditary neoplastic syndrome. Identifiers: Orphanet 140162, MedGen C0027672, MeSH D009386, MONDO:0015356.
Fanconi anemia complementation group O. Also called: RAD51C-Related Fanconi Anemia. Identifiers: Orphanet 84, MedGen C3150653, MONDO:0013248, OMIM 613390.
Breast-ovarian cancer, familial, susceptibility to, 3. Also called: RAD51C-Related Breast/Ovarian Cancer. Identifiers: Orphanet 145, MedGen C3150659, MONDO:0013253, OMIM 613399.

Submissions (5):

Labcorp Genetics (formerly Invitae), Labcorp
Classification: Pathogenic for Fanconi anemia complementation group O. Last evaluated: 2025-02-25. Review status: criteria provided, single submitter. Criteria: Invitae Variant Classification Sherloc (09022015). Collection method: clinical testing. Allele origin: germline.
Comment: This sequence change affects an acceptor splice site in intron 4 of the RAD51C gene. RNA analysis indicates that disruption of this splice site induces altered splicing and likely results in a shortened protein product. This variant is not present in population databases (gnomAD no frequency). This variant has not been reported in the literature in individuals affected with RAD51C-related conditions. ClinVar contains an entry for this variant (Variation ID: 452310). Studies have shown that disruption of this splice site results in skipping of exon 5, but is expected to preserve the integrity of the reading-frame (PMID: 22006311, 24139550; internal data). This variant disrupts a region of the RAD51C protein in which other variant(s) (p.Arg258His) have been determined to be pathogenic (PMID: 20400963, 22167183, 26354865, 32054657). This suggests that this is a clinically significant region of the protein, and that variants that disrupt it are likely to be disease-causing. For these reasons, this variant has been classified as Pathogenic.

Ambry Genetics
Classification: Likely pathogenic for Hereditary cancer-predisposing syndrome. Last evaluated: 2024-09-30. Review status: criteria provided, single submitter. Criteria: Ambry Variant Classification Scheme 2023. Collection method: clinical testing. Allele origin: germline.
Comment: The c.706-1G>T intronic variant results from a G to T substitution one nucleotide upstream from coding exon 5 of the RAD51C gene. This nucleotide position is highly conserved in available vertebrate species. In silico splice site analysis predicts that this alteration will weaken the native splice acceptor site and will result in the creation or strengthening of a novel splice acceptor site. RNA studies have demonstrated that this alteration results in abnormal splicing in the set of samples tested (Ambry internal data). This variant is considered to be rare based on population cohorts in the Genome Aggregation Database (gnomAD). Alterations that disrupt the canonical splice site are expected to cause aberrant splicing, resulting in an abnormal protein or a transcript that is subject to nonsense-mediated mRNA decay. As such, this alteration is classified as likely pathogenic.

Baylor Genetics
Classification: Likely pathogenic for Breast-ovarian cancer, familial, susceptibility to, 3. Last evaluated: 2024-02-09. Review status: criteria provided, single submitter. Criteria: ACMG Guidelines, 2015. Collection method: clinical testing. Allele origin: unknown.

Myriad Genetics, Inc.
Classification: Likely pathogenic for Breast-ovarian cancer, familial, susceptibility to, 3. Last evaluated: 2024-01-03. Review status: criteria provided, single submitter. Criteria: Myriad Autosomal Dominant, Autosomal Recessive and X-Linked Classification Criteria (2023). Collection method: clinical testing. Allele origin: unknown.
Comment: This variant is considered likely pathogenic. This variant occurs within a consensus splice junction and is predicted to result in abnormal mRNA splicing of either an out-of-frame exon or an in-frame exon necessary for protein stability and/or normal function.

GeneDx
Classification: Likely pathogenic. Last evaluated: 2018-09-26. Review status: criteria provided, single submitter. Criteria: GeneDx Variant Classification (06012015). Collection method: clinical testing. Allele origin: germline. Affected: yes.
Comment: This variant is denoted RAD51C c.706-1G>T or IVS4-1G>T and consists of a G>T nucleotidesubstitution at the -1 position of intron 4 of the RAD51C gene. This variant destroys a canonical splice acceptor siteand is predicted to cause abnormal gene splicing, leading to either an abnormal message that is subject to nonsense-mediated mRNA decay or to an abnormal protein product. This variant has not, to our knowledge, been published inthe literature. Based on the currently available information, we consider RAD51C c.706-1G>T to be a likely pathogenicvariant.

Literature cited by the submitters: PubMed 22006311 (cited by Labcorp Genetics (formerly Invitae), Labcorp); PubMed 24139550 (cited by Labcorp Genetics (formerly Invitae), Labcorp); PubMed 20400963 (cited by Labcorp Genetics (formerly Invitae), Labcorp); PubMed 22167183 (cited by Labcorp Genetics (formerly Invitae), Labcorp); PubMed 26354865 (cited by Labcorp Genetics (formerly Invitae), Labcorp); PubMed 32054657 (cited by Labcorp Genetics (formerly Invitae), Labcorp).

NM_058216.3(RAD51C):c.706-1G>T

Gene: RAD51C (RAD51 paralog C; plus strand). Cytogenetic location: 17q22.
Variant type: single nucleotide variant.
Coding change: c.706-1G>T on transcript NM_058216.3 (MANE Select); the canonical splice acceptor site of the intron before coding-DNA position 706, G replaced by T.
Molecular consequence: splice acceptor variant.
Genome position (GRCh38, 1-based): chr17:58,709,858, G>T. VCF-style: chr17-58709858-G-T. GRCh37 (hg19) VCF-style: chr17-56787219-G-T.
Identifiers: ClinVar variation 452310 (VCV000452310.10), dbSNP rs1555599090, ClinGen allele CA400353039.